The following is an entry in ClinVar:

NM_001039348.3(EFEMP1):c.888del (p.Asp296fs)

Gene: EFEMP1 (EGF-like fibulin extracellular matrix protein 1; minus strand). Cytogenetic location: 2p16.1.
Variant type: Deletion.
Coding change: c.888del on transcript NM_001039348.3 (MANE Select); coding-DNA position 888, one base deleted (T; older notation c.888delT).
Protein change: p.Asp296fs; shifts the reading frame from aspartic acid 296.
Molecular consequence: frameshift variant.
Genome position (GRCh38, 1-based): chr2:55,875,058, A deleted on the plus strand (T on the coding strand, the reverse complement: EFEMP1 is on the minus strand). VCF-style (leftmost placement, unchanged base first): chr2-55875057-CA-C. GRCh37 (hg19) VCF-style: chr2-56102192-CA-C.
Other names: c.888del, p.Asp296fs (NM_001039349.3); short protein forms D296fs.
Identifiers: ClinVar variation 2635191 (VCV002635191.2), dbSNP rs2465744658, ClinGen allele CA2576973497.

ClinVar aggregate classification (germline): Pathogenic/Likely pathogenic. Review status: criteria provided, multiple submitters, no conflicts (2 of 4 stars). 2 submissions from 2 submitters: Pathogenic (1); Likely pathogenic (1). Last evaluated 2025-08-02.

Conditions:
EFEMP1-related disorder. Also called: EFEMP1-related condition.

Submissions (2):

Labcorp Genetics (formerly Invitae), Labcorp
Classification: Pathogenic. Last evaluated: 2025-08-02. Review status: criteria provided, single submitter. Criteria: Invitae Variant Classification Sherloc (09022015). Collection method: clinical testing. Allele origin: germline.
Comment: This sequence change creates a premature translational stop signal (p.Asp296Glufs*32) in the EFEMP1 gene. It is expected to result in an absent or disrupted protein product. Loss-of-function variants in EFEMP1 are known to be pathogenic (PMID: 17872905, 33807164, 38348595, 39367272). This variant is not present in population databases (gnomAD no frequency). This variant has not been reported in the literature in individuals affected with EFEMP1-related conditions. ClinVar contains an entry for this variant (Variation ID: 2635191). For these reasons, this variant has been classified as Pathogenic.

PreventionGenetics, part of Exact Sciences
Classification: Likely pathogenic for EFEMP1-related condition. Last evaluated: 2022-11-08. Review status: criteria provided, single submitter. Criteria: ACMG Guidelines, 2015. Collection method: clinical testing. Allele origin: germline.
Comment: The EFEMP1 c.888delT variant is predicted to result in a frameshift and premature protein termination (p.Asp296Glufs*32). To our knowledge, this variant has not been reported in the literature or in a large population database, indicating this variant is rare. Frameshift variants in EFEMP1 are expected to be pathogenic. This variant is interpreted as likely pathogenic for autosomal recessive connective tissue disorder (cutis laxa). Only missense variants have been reported until this data as causative for Doyne honeycomb degeneration of retina and therefore we interpret this truncating variant as variant of unknown significance in respect to autosomal dominant Doyne honeycomb degeneration of retina.

Literature cited by the submitters: PubMed 17872905 (cited by Labcorp Genetics (formerly Invitae), Labcorp); PubMed 33807164 (cited by Labcorp Genetics (formerly Invitae), Labcorp); PubMed 38348595 (cited by Labcorp Genetics (formerly Invitae), Labcorp); PubMed 39367272 (cited by Labcorp Genetics (formerly Invitae), Labcorp).